The following is an entry in ClinVar:

NM_000137.4(FAH):c.1063-1G>A

Gene: FAH (fumarylacetoacetate hydrolase; plus strand). Cytogenetic location: 15q25.1.
Variant type: single nucleotide variant.
Coding change: c.1063-1G>A on transcript NM_000137.4 (MANE Select); the canonical splice acceptor site of the intron before coding-DNA position 1063, G replaced by A.
Molecular consequence: splice acceptor variant.
Genome position (GRCh38, 1-based): chr15:80,181,041, G>A. VCF-style: chr15-80181041-G-A. GRCh37 (hg19) VCF-style: chr15-80473383-G-A.
Other names: c.1063-1G>A (NM_001374377.1, NM_001374380.1).
Identifiers: ClinVar variation 848070 (VCV000848070.10), dbSNP rs2041326700, ClinGen allele CA393621857.
Genomic context (GRCh38, chr15:80,181,041, plus strand): 5'-GTCCATGCCAGAGCCAAGGCATAAATTCATGTTATTCTTTCTTCCCTTTCCTGTGATGAA[G>A]GAGCCAGAAAACTTCGGCTCCATGTTGGAACTGTCGTGGAAGGGAACGAAGCCCATAGAC-3'

ClinVar aggregate classification (germline): Pathogenic (1 of 4 stars; one submission).

Conditions:
Tyrosinemia type I (TYRSN1). Also called: Tyrosinemia type 1; Fumarylacetoacetase deficiency; Deficiency of fumarylacetoacetase; HEPATORENAL TYROSINEMIA; FAH DEFICIENCY. Identifiers: Orphanet 882, MedGen C0268490, MONDO:0010161, OMIM 276700. Disease mechanism: loss of function.

Allele frequency attached by ClinVar (database versions not stated): gnomAD exomes below 0.00001.
gnomAD v4.1: 1 of 1,610,634 alleles (0.000062%); highest among the groups gnomAD compares: Non-Finnish European, 0.000085%; no homozygotes.

Submission:

Labcorp Genetics (formerly Invitae), Labcorp
Classification: Pathogenic for Tyrosinemia type I. Last evaluated: 2019-12-23. Review status: criteria provided, single submitter. Criteria: Invitae Variant Classification Sherloc (09022015). Collection method: clinical testing. Allele origin: germline.
Comment: Donor and acceptor splice site variants typically lead to a loss of protein function (PMID: 16199547), and loss-of-function variants in FAH are known to be pathogenic (PMID: 9101289, 9633815). For these reasons, this variant has been classified as Pathogenic. Algorithms developed to predict the effect of sequence changes on RNA splicing suggest that this variant may disrupt the consensus splice site, but this prediction has not been confirmed by published transcriptional studies. This variant has been observed in individual(s) with tyrosinemia type I (PMID: 23000314). This variant is not present in population databases (ExAC no frequency). This sequence change affects an acceptor splice site in intron 12 of the FAH gene. It is expected to disrupt RNA splicing and likely results in an absent or disrupted protein product.

Literature cited by the submitters: PubMed 16199547; PubMed 9101289; PubMed 9633815; PubMed 23000314.